The following is an entry in ClinVar:

ClinVar aggregate classification (germline): Uncertain significance (1 of 4 stars; one submission).

Conditions:
Hereditary cancer-predisposing syndrome. Also called: Neoplastic Syndromes, Hereditary; Tumor predisposition; Hereditary neoplastic syndrome; Hereditary Cancer Syndrome. Identifiers: Orphanet 140162, MedGen C0027672, MeSH D009386, MONDO:0015356.
Cardiovascular phenotype. Identifiers: MedGen CN230736.

Allele frequency attached by ClinVar (database versions not stated): TOPMed below 0.00001; gnomAD 0.00001.
gnomAD v4.1: 1 of 1,613,456 alleles (0.000062%); highest among the groups gnomAD compares: Admixed American, 0.0017%; no homozygotes.

Submission:

Ambry Genetics
Classification: Uncertain significance for Cardiovascular phenotype; Hereditary cancer-predisposing syndrome. Last evaluated: 2023-05-21. Review status: criteria provided, single submitter. Criteria: Ambry Variant Classification Scheme 2023. Collection method: clinical testing. Allele origin: germline.
Comment: The p.I213M variant (also known as c.639A>G), located in coding exon 6 of the NF1 gene, results from an A to G substitution at nucleotide position 639. The isoleucine at codon 213 is replaced by methionine, an amino acid with highly similar properties. This amino acid position is conserved. In addition, the in silico prediction for this alteration is inconclusive. Since supporting evidence is limited at this time, the clinical significance of this alteration remains unclear.

NM_001042492.3(NF1):c.639A>G (p.Ile213Met)

Gene: NF1 (neurofibromin 1; plus strand). Cytogenetic location: 17q11.2.
Variant type: single nucleotide variant.
Coding change: c.639A>G on transcript NM_001042492.3 (MANE Select); coding-DNA position 639, A replaced by G.
Protein change: p.Ile213Met; replaces isoleucine 213 with methionine.
Molecular consequence: missense variant.
Genome position (GRCh38, 1-based): chr17:31,181,474, A>G. VCF-style: chr17-31181474-A-G. GRCh37 (hg19) VCF-style: chr17-29508492-A-G.
Other names: c.639A>G, p.Ile213Met (NM_000267.4, NM_001128147.3); short protein forms I213M.
Identifiers: ClinVar variation 3237876 (VCV003237876.1), dbSNP rs1222625615.